The following is an entry in ClinVar:

ClinVar aggregate classification (germline): Pathogenic/Likely pathogenic. Review status: criteria provided, multiple submitters, no conflicts (2 of 4 stars). 2 submissions from 2 submitters: Pathogenic (1); Likely pathogenic (1). Last evaluated 2024-05-01.

Conditions:
Charcot-Marie-Tooth disease type 4B2. Also called: Charcot-Marie-Tooth Neuropathy Type 4B2; CHARCOT-MARIE-TOOTH DISEASE, WITH FOCALLY FOLDED MYELIN SHEATHS, AUTOSOMAL RECESSIVE, TYPE 4B2; CMT 4B2; CHARCOT-MARIE-TOOTH DISEASE, DEMYELINATING, TYPE 4B2. Identifiers: Orphanet 99956, MedGen C1858278, MONDO:0011475, OMIM 604563.

Allele frequency attached by ClinVar (database versions not stated): TOPMed below 0.00001.

Submissions (2):

CeGaT Center for Human Genetics Tuebingen
Classification: Pathogenic. Last evaluated: 2024-05-01. Review status: criteria provided, single submitter. Criteria: CeGaT Center For Human Genetics Tuebingen Variant Classification Criteria Version 2. Collection method: clinical testing. Allele origin: germline. Affected: yes. Observed: 1 variant allele.
Comment: SBF2: PVS1, PM2, PS4:Supporting

Kariminejad - Najmabadi Pathology & Genetics Center
Classification: Likely pathogenic for Charcot-Marie-Tooth disease type 4B2. Last evaluated: 2023-02-26. Review status: criteria provided, single submitter. Criteria: ACMG Guidelines, 2015. Collection method: clinical testing. Allele origin: germline. Inheritance: Autosomal recessive inheritance. Affected: yes.
Comment: PVS1-very strong, PM2

NM_030962.4(SBF2):c.1601-2A>G

Gene: SBF2 (SET binding factor 2; minus strand). Cytogenetic location: 11p15.4.
Variant type: single nucleotide variant.
Coding change: c.1601-2A>G on transcript NM_030962.4 (MANE Select); the canonical splice acceptor site of the intron before coding-DNA position 1601, A replaced by G.
Molecular consequence: splice acceptor variant.
Genome position (GRCh38, 1-based): chr11:9,963,884, T>C on the plus strand (A>G on the coding strand, the complement: SBF2 is on the minus strand). VCF-style: chr11-9963884-T-C. GRCh37 (hg19) VCF-style: chr11-9985431-T-C.
Other names: c.1637-2A>G (NM_001424318.1); c.1472-2A>G (NM_001386342.1); c.1601-2A>G (NM_001386339.1).
Identifiers: ClinVar variation 3239361 (VCV003239361.20), dbSNP rs113702075.